The following is an entry in ClinVar:

ClinVar aggregate classification (germline): Likely pathogenic (1 of 4 stars; one submission).

Conditions:
Intellectual developmental disorder with hypotonia and behavioral abnormalities. Identifiers: MedGen C5231489, MONDO:0032897, OMIM 618748.

Submission:

Center for Human Genetics and Genomic Medicine, Uniklinik Rwth Aachen
Classification: Likely pathogenic for Intellectual developmental disorder with hypotonia and behavioral abnormalities. Last evaluated: 2021-02-09. Review status: criteria provided, single submitter. Criteria: ACMG Guidelines, 2015. Collection method: clinical testing. Allele origin: de novo. Inheritance: Autosomal dominant inheritance. Affected: yes. Observed: 1 variant allele, 1 heterozygote.
Comment: The variant has not yet been reported in the relevant databases (dbSNP151, gnomAD, ClinVar) or in the literature. From a bioinformatics point of view, the change is classified as "likely to cause disease" (PolyPhen2, Mutation Taster, SIFT). At this point in time, the variant is to be regarded as a "likely pathogenic variant" (ACMG criteria).

NM_001260.3(CDK8):c.587C>T (p.Thr196Ile)

Gene: CDK8 (cyclin dependent kinase 8; plus strand). Cytogenetic location: 13q12.13.
Variant type: single nucleotide variant.
Coding change: c.587C>T on transcript NM_001260.3 (MANE Select); coding-DNA position 587, C replaced by T.
Protein change: p.Thr196Ile; replaces threonine 196 with isoleucine.
Molecular consequence: missense variant.
Genome position (GRCh38, 1-based): chr13:26,385,283, C>T. VCF-style: chr13-26385283-C-T. GRCh37 (hg19) VCF-style: chr13-26959420-C-T.
Other names: c.587C>T, p.Thr196Ile (NM_001318368.2); c.68C>T, p.Thr23Ile (NM_001346501.2); short protein forms T196I, T23I.
Identifiers: ClinVar variation 996136 (VCV000996136.2), dbSNP rs1875421918, ClinGen allele CA387685401.